The following is an entry in ClinVar:

NM_020964.3(EPG5):c.1169G>C (p.Arg390Thr)

Gene: EPG5 (ectopic P-granules 5 autophagy tethering factor; minus strand). Cytogenetic location: 18q21.1.
Variant type: single nucleotide variant.
Coding change: c.1169G>C on transcript NM_020964.3 (MANE Select); coding-DNA position 1169, G replaced by C.
Protein change: p.Arg390Thr; replaces arginine 390 with threonine.
Molecular consequence: missense variant.
Genome position (GRCh38, 1-based): chr18:45,952,483, C>G on the plus strand (G>C on the coding strand, the complement: EPG5 is on the minus strand). VCF-style: chr18-45952483-C-G. GRCh37 (hg19) VCF-style: chr18-43532449-C-G.
Other names: short protein forms R390T.
Identifiers: ClinVar variation 1378931 (VCV001378931.6), dbSNP rs2143746816, ClinGen allele CA402350029.
Genomic context (GRCh38, chr18:45,952,483, plus strand): 5'-GAAGATCTCAGAACAGCTGAACTACTGAGCAATGCATAGATGTAAGACTCCACTTGCAAT[C>G]TTGAGAGCACAGAAGTATAAGAATGAAGGGCCAGGGTCTGGTGGAGGTGCTCAGATTTGG-3'
Protein context (NP_066015.2, residues 380-400): ALHSYTSVLS[Arg390Thr]LQVESYIYAL

ClinVar aggregate classification (germline): Uncertain significance (1 of 4 stars; one submission).

Conditions:
Vici syndrome (VICIS). Identifiers: Orphanet 1493, MedGen C1855772, MONDO:0009452, OMIM 242840.

Allele frequency attached by ClinVar (database versions not stated): gnomAD exomes 0.00001.
gnomAD v4.1: 5 of 1,614,198 alleles (0.00031%); highest among the groups gnomAD compares: Non-Finnish European, 0.00042%; no homozygotes.

Submission:

Labcorp Genetics (formerly Invitae), Labcorp
Classification: Uncertain significance for Vici syndrome. Last evaluated: 2022-06-20. Review status: criteria provided, single submitter. Criteria: Invitae Variant Classification Sherloc (09022015). Collection method: clinical testing. Allele origin: germline.
Comment: This sequence change replaces arginine, which is basic and polar, with threonine, which is neutral and polar, at codon 390 of the EPG5 protein (p.Arg390Thr). This variant is not present in population databases (gnomAD no frequency). This variant has not been reported in the literature in individuals affected with EPG5-related conditions. Algorithms developed to predict the effect of missense changes on protein structure and function are either unavailable or do not agree on the potential impact of this missense change (SIFT: "Tolerated"; PolyPhen-2: "Probably Damaging"; Align-GVGD: "Class C0"). In summary, the available evidence is currently insufficient to determine the role of this variant in disease. Therefore, it has been classified as a Variant of Uncertain Significance.